The following is an entry in ClinVar:

NM_130837.3(OPA1):c.2194C>G (p.Leu732Val)

Gene: OPA1 (OPA1 mitochondrial dynamin like GTPase; plus strand). Cytogenetic location: 3q29.
Variant type: single nucleotide variant.
Coding change: c.2194C>G on transcript NM_130837.3 (MANE Select); coding-DNA position 2194, C replaced by G.
Protein change: p.Leu732Val; replaces leucine 732 with valine.
Molecular consequence: missense variant.
Genome position (GRCh38, 1-based): chr3:193,657,095, C>G. VCF-style: chr3-193657095-C-G. GRCh37 (hg19) VCF-style: chr3-193374884-C-G.
Other names: c.1660C>G, p.Leu554Val (NM_001354663.2); c.1657C>G, p.Leu553Val (NM_001354664.2); c.2029C>G, p.Leu677Val (NM_015560.3); c.1921C>G, p.Leu641Val (NM_130831.3); c.1975C>G, p.Leu659Val (NM_130832.3); c.2032C>G, p.Leu678Val (NM_130833.3); c.2083C>G, p.Leu695Val (NM_130834.3); c.2086C>G, p.Leu696Val (NM_130835.3); and 1 more; short protein forms L554V, L696V, L714V, L553V, L677V, L695V, L732V, L641V.
Identifiers: ClinVar variation 2060610 (VCV002060610.4), dbSNP rs2475050233, ClinGen allele CA355791387.

ClinVar aggregate classification (germline): Uncertain significance (1 of 4 stars; one submission).

Allele frequency attached by ClinVar (database versions not stated): gnomAD exomes below 0.00001.
gnomAD v4.1: 6 of 1,613,094 alleles (0.00037%); highest among the groups gnomAD compares: South Asian, 0.0055%; no homozygotes.

Submission:

Labcorp Genetics (formerly Invitae), Labcorp
Classification: Uncertain significance. Last evaluated: 2023-07-07. Review status: criteria provided, single submitter. Criteria: Invitae Variant Classification Sherloc (09022015). Collection method: clinical testing. Allele origin: germline.
Comment: This variant is not present in population databases (gnomAD no frequency). In summary, the available evidence is currently insufficient to determine the role of this variant in disease. Therefore, it has been classified as a Variant of Uncertain Significance. Advanced modeling of protein sequence and biophysical properties (such as structural, functional, and spatial information, amino acid conservation, physicochemical variation, residue mobility, and thermodynamic stability) performed at Invitae indicates that this missense variant is not expected to disrupt OPA1 protein function. ClinVar contains an entry for this variant (Variation ID: 2060610). This variant has not been reported in the literature in individuals affected with OPA1-related conditions. This sequence change replaces leucine, which is neutral and non-polar, with valine, which is neutral and non-polar, at codon 677 of the OPA1 protein (p.Leu677Val).